The following is an entry in ClinVar:

ClinVar aggregate classification (germline): Pathogenic (1 of 4 stars; one submission).

Conditions:
Intellectual developmental disorder with microcephaly and with or without ocular malformations or hypogonadotropic hypogonadism. Also called: Intellectual disability, autosomal dominant 27; Coffin-Siris Syndrome 9. Identifiers: Orphanet 1465, MedGen C4014528, MONDO:0014376, OMIM 615866.

Submission:

Greenwood Genetic Center Diagnostic Laboratories, Greenwood Genetic Center
Classification: Pathogenic for Intellectual developmental disorder with microcephaly and with or without ocular malformations or hypogonadotropic hypogonadism. Last evaluated: 2024-02-02. Review status: criteria provided, single submitter. Criteria: ACMG Guidelines, 2015. Collection method: clinical testing. Allele origin: germline. Affected: yes.
Comment: PVS1, PS2, PM2

NM_003108.4(SOX11):c.1178C>A (p.Ser393Ter)

Gene: SOX11 (SRY-box transcription factor 11; plus strand). Cytogenetic location: 2p25.2.
Variant type: single nucleotide variant.
Coding change: c.1178C>A on transcript NM_003108.4 (MANE Select); coding-DNA position 1178, C replaced by A.
Protein change: p.Ser393Ter; replaces serine 393 with a stop codon.
Molecular consequence: nonsense.
Genome position (GRCh38, 1-based): chr2:5,693,899, C>A. VCF-style: chr2-5693899-C-A. GRCh37 (hg19) VCF-style: chr2-5834031-C-A.
Other names: short protein forms S393*.
Identifiers: ClinVar variation 3235714 (VCV003235714.1), dbSNP rs2465088961, ClinGen allele CA345868294.